The following is an entry in ClinVar:

ClinVar aggregate classification (germline): Uncertain significance. Review status: criteria provided, multiple submitters, no conflicts (2 of 4 stars). 2 submissions from 2 submitters: Uncertain significance (2). Last evaluated 2022-08-22.

Conditions:
Bardet-Biedl syndrome (BBS). Identifiers: Orphanet 110, MedGen C0752166, MONDO:0015229.
McKusick-Kaufman syndrome (MKKS). Also called: HYDROMETROCOLPOS SYNDROME; HYDROMETROCOLPOS, POSTAXIAL POLYDACTYLY, AND CONGENITAL HEART MALFORMATION. Identifiers: Orphanet 2473, MedGen C0948368, MONDO:0009367, OMIM 236700.
Bardet-Biedl syndrome 6 (BBS6). Identifiers: Orphanet 110, MedGen C1858054, MONDO:0011523, OMIM 605231.

Allele frequency attached by ClinVar (database versions not stated): gnomAD exomes below 0.00001; TOPMed below 0.00001; gnomAD 0.00001.
gnomAD v4.1: 3 of 1,613,846 alleles (0.00019%); highest among the groups gnomAD compares: African/African-American, 0.0013%; no homozygotes.

Submissions (2):

Labcorp Genetics (formerly Invitae), Labcorp
Classification: Uncertain significance for McKusick-Kaufman syndrome; Bardet-Biedl syndrome. Last evaluated: 2022-08-22. Review status: criteria provided, single submitter. Criteria: Invitae Variant Classification Sherloc (09022015). Collection method: clinical testing. Allele origin: germline.
Comment: This sequence change replaces histidine, which is basic and polar, with tyrosine, which is neutral and polar, at codon 359 of the MKKS protein (p.His359Tyr). This variant is present in population databases (no rsID available, gnomAD 0.004%). This variant has not been reported in the literature in individuals affected with MKKS-related conditions. ClinVar contains an entry for this variant (Variation ID: 1359956). Algorithms developed to predict the effect of missense changes on protein structure and function (SIFT, PolyPhen-2, Align-GVGD) all suggest that this variant is likely to be tolerated. In summary, the available evidence is currently insufficient to determine the role of this variant in disease. Therefore, it has been classified as a Variant of Uncertain Significance.

Fulgent Genetics
Classification: Uncertain significance for McKusick-Kaufman syndrome; Bardet-Biedl syndrome 6. Last evaluated: 2022-02-17. Review status: criteria provided, single submitter. Criteria: ACMG Guidelines, 2015. Collection method: clinical testing. Allele origin: unknown.

NM_170784.3(MKKS):c.1075C>T (p.His359Tyr)

Gene: MKKS (MKKS centrosomal shuttling protein; minus strand). Cytogenetic location: 20p12.2.
Variant type: single nucleotide variant.
Coding change: c.1075C>T on transcript NM_170784.3 (MANE Select); coding-DNA position 1075, C replaced by T.
Protein change: p.His359Tyr; replaces histidine 359 with tyrosine.
Molecular consequence: missense variant. On other transcripts: non-coding transcript variant (1).
Genome position (GRCh38, 1-based): chr20:10,408,714, G>A on the plus strand (C>T on the coding strand, the complement: MKKS is on the minus strand). VCF-style: chr20-10408714-G-A. GRCh37 (hg19) VCF-style: chr20-10389362-G-A.
Other names: c.1075C>T, p.His359Tyr (NM_018848.3); short protein forms H359Y.
Identifiers: ClinVar variation 1359956 (VCV001359956.4), dbSNP rs1414454066, ClinGen allele CA408231721.